The following is an entry in ClinVar:

ClinVar aggregate classification (germline): Conflicting classifications of pathogenicity. Review status: criteria provided, conflicting classifications (1 of 4 stars). 5 submissions from 5 submitters: Uncertain significance (1); Benign (1); Likely benign (3). Last evaluated 2026-08-01.

Conditions:
Inborn genetic diseases. Identifiers: MedGen C0950123, MeSH D030342.
Spastic paraplegia. Identifiers: MedGen C0037772, HP:0001258.

Allele frequency attached by ClinVar (database versions not stated): gnomAD exomes 0.00008 and 0.00012; ExAC 0.00014; gnomAD 0.00016 and 0.00017; TOPMed 0.00019; ESP Exome Variant Server 0.00038.
gnomAD v4.1: 105 of 1,204,085 alleles (0.0087%); highest among the groups gnomAD compares: African/African-American, 0.018%; no homozygotes.

Submissions (5):

CeGaT Center for Human Genetics Tuebingen
Classification: Likely benign. Last evaluated: 2026-08-01. Review status: criteria provided, single submitter. Criteria: CeGaT Center For Human Genetics Tuebingen Variant Classification Criteria Version 2. Collection method: clinical testing. Allele origin: germline. Affected: yes. Observed: 1 variant allele.
Comment: L1CAM: BP4, BS2

Labcorp Genetics (formerly Invitae), Labcorp
Classification: Likely benign for Spastic paraplegia. Last evaluated: 2025-09-26. Review status: criteria provided, single submitter. Criteria: Invitae Variant Classification Sherloc (09022015). Collection method: clinical testing. Allele origin: germline.

GeneDx
Classification: Likely benign. Last evaluated: 2019-11-05. Review status: criteria provided, single submitter. Criteria: GeneDx Variant Classification Process June 2021. Collection method: clinical testing. Allele origin: germline. Affected: yes.

Ambry Genetics
Classification: Benign for Inborn genetic diseases. Last evaluated: 2018-10-23. Review status: criteria provided, single submitter. Criteria: Ambry Variant Classification Scheme 2023. Collection method: clinical testing. Allele origin: germline.

Eurofins Ntd Llc (ga)
Classification: Uncertain significance. Last evaluated: 2014-10-14. Review status: criteria provided, single submitter. Criteria: EGL Classification Definitions 2015. Collection method: clinical testing. Allele origin: germline. Observed: 1 variant allele, 1 heterozygote.

NM_001278116.2(L1CAM):c.256G>A (p.Val86Met)

Gene: L1CAM (L1 cell adhesion molecule; minus strand). Cytogenetic location: Xq28.
Variant type: single nucleotide variant.
Coding change: c.256G>A on transcript NM_001278116.2 (MANE Select); coding-DNA position 256, G replaced by A.
Protein change: p.Val86Met; replaces valine 86 with methionine.
Molecular consequence: missense variant.
Genome position (GRCh38, 1-based): chrX:153,872,296, C>T on the plus strand (G>A on the coding strand, the complement: L1CAM is on the minus strand). VCF-style: chrX-153872296-C-T. GRCh37 (hg19) VCF-style: chrX-153137751-C-T.
Other names: c.256G>A, p.Val86Met (NM_000425.5, NM_024003.3); c.241G>A, p.Val81Met (NM_001143963.2); short protein forms V86M, V81M.
Identifiers: ClinVar variation 197140 (VCV000197140.18), dbSNP rs149309725, ClinGen allele CA245105.
Genomic context (GRCh38, chrX:153,872,296, plus strand): 5'-GAGCAAAGTTGCTGTTGTTGCCCGTGATGGTGAAGGAGCCAGAGTGGGGCGACTGGTACA[C>T]GGTCACACCCAGCTCTTCCTTGGGTTTGAAGTGGACACCATCCCTCGTCCAGCGGAACCT-3'
Protein context (NP_001265045.1, residues 76-96): FKPKEELGVT[Val86Met]YQSPHSGSFT